The following is an entry in ClinVar:

NM_002890.3(RASA1):c.2011+6T>G

Genes: CCNH (cyclin H; minus strand), RASA1 (RAS p21 protein activator 1; plus strand). Cytogenetic location: 5q14.3.
Variant type: single nucleotide variant.
Coding change: c.2011+6T>G on transcript NM_002890.3 (MANE Select); 6 bases into the intron after coding-DNA position 2011, T replaced by G.
Molecular consequence: intron variant.
Genome position (GRCh38, 1-based): chr5:87,374,922, T>G. VCF-style: chr5-87374922-T-G. GRCh37 (hg19) VCF-style: chr5-86670739-T-G.
Other names: c.1480+6T>G (NM_022650.3); c.933+20122A>C (NM_001364075.2).
Identifiers: ClinVar variation 2497971 (VCV002497971.2), dbSNP rs1554049237, ClinGen allele CA2580073688.

ClinVar aggregate classification (germline): Likely pathogenic (1 of 4 stars; one submission).

Submission:

GeneDx
Classification: Likely pathogenic. Last evaluated: 2024-08-06. Review status: criteria provided, single submitter. Criteria: GeneDx Variant Classification Process June 2021. Collection method: clinical testing. Allele origin: germline.
Comment: Published functional studies demonstrate a damaging effect: aberrant splicing (PMID: 32123317); Not observed at significant frequency in large population cohorts (gnomAD); In silico analysis supports a deleterious effect on splicing; This variant is associated with the following publications: (PMID: 34663891, 32123317)